The following is an entry in ClinVar:

ClinVar aggregate classification (germline): Uncertain significance (1 of 4 stars; one submission).

Conditions:
EGFR-related lung cancer (EGFR). Identifiers: MedGen CN130014.

Submission:

Labcorp Genetics (formerly Invitae), Labcorp
Classification: Uncertain significance for EGFR-related lung cancer. Last evaluated: 2022-06-11. Review status: criteria provided, single submitter. Criteria: Invitae Variant Classification Sherloc (09022015). Collection method: clinical testing. Allele origin: germline.
Comment: Algorithms developed to predict the effect of missense changes on protein structure and function (SIFT, PolyPhen-2, Align-GVGD) all suggest that this variant is likely to be tolerated. In summary, the available evidence is currently insufficient to determine the role of this variant in disease. Therefore, it has been classified as a Variant of Uncertain Significance. This variant has not been reported in the literature in individuals affected with EGFR-related conditions. This variant is not present in population databases (gnomAD no frequency). This sequence change replaces serine, which is neutral and polar, with phenylalanine, which is neutral and non-polar, at codon 380 of the EGFR protein (p.Ser380Phe).

NM_005228.5(EGFR):c.1139C>T (p.Ser380Phe)

Genes: EGFR (epidermal growth factor receptor; plus strand), LOC126860048 (P300/CBP strongly-dependent group 1 enhancer GRCh37_chr7:55223847-55225046; plus strand). Cytogenetic location: 7p11.2.
Variant type: single nucleotide variant.
Coding change: c.1139C>T on transcript NM_005228.5 (MANE Select); coding-DNA position 1139, C replaced by T.
Protein change: p.Ser380Phe; replaces serine 380 with phenylalanine.
Molecular consequence: missense variant.
Genome position (GRCh38, 1-based): chr7:55,156,764, C>T. VCF-style: chr7-55156764-C-T. GRCh37 (hg19) VCF-style: chr7-55224457-C-T.
Other names: c.1004C>T, p.Ser335Phe (NM_001346897.2, NM_001346899.2); c.1139C>T, p.Ser380Phe (NM_001346898.2, NM_201282.2, NM_201283.2 and 1 more transcripts); c.980C>T, p.Ser327Phe (NM_001346900.2); c.338C>T, p.Ser113Phe (NM_001346941.2); short protein forms S327F, S380F, S335F, S113F.
Identifiers: ClinVar variation 2004955 (VCV002004955.4), dbSNP rs2128938670, ClinGen allele CA367578515.